The following is an entry in ClinVar:

NM_001032386.2(SUOX):c.806G>C (p.Arg269Pro)

Gene: SUOX (sulfite oxidase; plus strand). Cytogenetic location: 12q13.2.
Variant type: single nucleotide variant.
Coding change: c.806G>C on transcript NM_001032386.2 (MANE Select); coding-DNA position 806, G replaced by C.
Protein change: p.Arg269Pro; replaces arginine 269 with proline.
Molecular consequence: missense variant.
Genome position (GRCh38, 1-based): chr12:56,004,195, G>C. VCF-style: chr12-56004195-G-C. GRCh37 (hg19) VCF-style: chr12-56397979-G-C.
Other names: c.806G>C, p.Arg269Pro (NM_000456.3, NM_001032387.2); short protein forms R269P.
Identifiers: ClinVar variation 1999845 (VCV001999845.1), dbSNP rs575660698, ClinGen allele CA385288016.

ClinVar aggregate classification (germline): Uncertain significance (1 of 4 stars; one submission).

Conditions:
Sulfite oxidase deficiency. Also called: Isolated sulfite oxidase deficiency. Identifiers: Orphanet 833, Orphanet 99731, MedGen C0268624, MONDO:0010089, OMIM 272300, HP:0003643.

Submission:

Labcorp Genetics (formerly Invitae), Labcorp
Classification: Uncertain significance for Sulfite oxidase deficiency. Last evaluated: 2022-08-17. Review status: criteria provided, single submitter. Criteria: Invitae Variant Classification Sherloc (09022015). Collection method: clinical testing. Allele origin: germline.
Comment: This sequence change replaces arginine, which is basic and polar, with proline, which is neutral and non-polar, at codon 269 of the SUOX protein (p.Arg269Pro). This variant is not present in population databases (gnomAD no frequency). This variant has not been reported in the literature in individuals affected with SUOX-related conditions. Algorithms developed to predict the effect of missense changes on protein structure and function (SIFT, PolyPhen-2, Align-GVGD) all suggest that this variant is likely to be disruptive. In summary, the available evidence is currently insufficient to determine the role of this variant in disease. Therefore, it has been classified as a Variant of Uncertain Significance.